The following is an entry in ClinVar:

NM_001035.3(RYR2):c.10615G>C (p.Asp3539His)

Gene: RYR2 (ryanodine receptor 2; plus strand). Cytogenetic location: 1q43.
Variant type: single nucleotide variant.
Coding change: c.10615G>C on transcript NM_001035.3 (MANE Select); coding-DNA position 10615, G replaced by C.
Protein change: p.Asp3539His; replaces aspartic acid 3539 with histidine.
Molecular consequence: missense variant.
Genome position (GRCh38, 1-based): chr1:237,723,188, G>C. VCF-style: chr1-237723188-G-C. GRCh37 (hg19) VCF-style: chr1-237886488-G-C.
Other names: short protein forms D3539H.
Identifiers: ClinVar variation 3071342 (VCV003071342.1), dbSNP rs766991919, ClinGen allele CA345416098.
Genomic context (GRCh38, chr1:237,723,188, plus strand): 5'-TTGGAGGATCCTGCTATTAGATGGCAAATGGCTCTTTACAAAGACTTACCAAACAGGACT[G>C]ATGATACCTCAGATCCAGAGAAGACGGTAGAAAGAGTATTGGATATAGCAAATGTGCTTT-3'
Protein context (NP_001026.2, residues 3529-3549): ALYKDLPNRT[Asp3539His]DTSDPEKTVE

ClinVar aggregate classification (germline): Uncertain significance (1 of 4 stars; one submission).

Conditions:
Catecholaminergic polymorphic ventricular tachycardia (CVPT). Also called: Catecholamine-induced polymorphic ventricular tachycardia. Identifiers: Orphanet 3286, MedGen C5574922, MONDO:0017990.

Submission:

All of Us Research Program, National Institutes of Health
Classification: Uncertain significance for Catecholaminergic polymorphic ventricular tachycardia. Last evaluated: 2023-05-31. Review status: criteria provided, single submitter. Criteria: ACMG Guidelines, 2015. Collection method: clinical testing. Allele origin: germline. Inheritance: Autosomal dominant inheritance. Observed: 1 variant allele, 1 heterozygote.
Comment: This study involves interpretation of variants in research participants for the purpose of population health screening. Participant phenotype was not available at the time of variant classification. Additional details can be found in publication PMID: 35346344, PMCID: PMC8962531